The following is an entry in ClinVar:

ClinVar aggregate classification (germline): Likely pathogenic (1 of 4 stars; one submission).

Conditions:
Hereditary spastic paraplegia 7 (SPG7). Also called: Spastic paraplegia 7; Hereditary spastic paraplegia Paraplegin type; Autosomal recessive spastic paraplegia type 7; SPASTIC PARAPLEGIA 7, AUTOSOMAL RECESSIVE, WITH OR WITHOUT CEREBELLAR ATAXIA; SPG7-related neurologic disorder. Identifiers: Orphanet 99013, MedGen C1846564, MONDO:0011803, OMIM 607259.

Submission:

Kariminejad - Najmabadi Pathology & Genetics Center
Classification: Likely pathogenic for Hereditary spastic paraplegia 7. Last evaluated: 2024-06-05. Review status: criteria provided, single submitter. Criteria: ACMG Guidelines, 2015. Collection method: clinical testing. Allele origin: germline. Inheritance: Autosomal recessive inheritance. Affected: yes.
Comment: PVS1,PM2_M

NM_003119.4(SPG7):c.945_952dup (p.Lys318fs)

Gene: SPG7 (SPG7 matrix AAA peptidase subunit, paraplegin; plus strand). Cytogenetic location: 16q24.3.
Variant type: Duplication.
Coding change: c.945_952dup on transcript NM_003119.4 (MANE Select); coding-DNA positions 945 to 952, 8 bases duplicated (CGAAGCCA; older notation c.945_952dupCGAAGCCA).
Protein change: p.Lys318fs; shifts the reading frame from lysine 318.
Molecular consequence: frameshift variant.
Genome position (GRCh38, 1-based): chr16:89,530,766-89,530,773, CGAAGCCA duplicated; duplicating any 8 consecutive bases within chr16:89,530,764-89,530,773 gives the same sequence; the c. name uses the placement nearest the transcript's 3' end. VCF-style (leftmost placement, unchanged base first): chr16-89530763-G-GCACGAAGC. GRCh37 (hg19) VCF-style: chr16-89597171-G-GCACGAAGC.
Other names: c.945_952dup, p.Lys318fs (NM_001363850.1, NM_199367.3); short protein forms K318fs.
Identifiers: ClinVar variation 3897026 (VCV003897026.1).